The following is an entry in ClinVar:

ClinVar aggregate classification (germline): Uncertain significance (1 of 4 stars; one submission).

Submission:

GeneDx
Classification: Uncertain significance. Last evaluated: 2019-11-20. Review status: criteria provided, single submitter. Criteria: GeneDx Variant Classification Process June 2021. Collection method: clinical testing. Allele origin: germline. Affected: yes.
Comment: Has not been previously published as pathogenic or benign to our knowledge; Not observed in large population cohorts (Lek et al., 2016); In silico analysis, which includes protein predictors and evolutionary conservation, supports a deleterious effect

NM_001035.3(RYR2):c.13735C>A (p.His4579Asn)

Gene: RYR2 (ryanodine receptor 2; plus strand). Cytogenetic location: 1q43.
Variant type: single nucleotide variant.
Coding change: c.13735C>A on transcript NM_001035.3 (MANE Select); coding-DNA position 13735, C replaced by A.
Protein change: p.His4579Asn; replaces histidine 4579 with asparagine.
Molecular consequence: missense variant.
Genome position (GRCh38, 1-based): chr1:237,792,276, C>A. VCF-style: chr1-237792276-C-A. GRCh37 (hg19) VCF-style: chr1-237955576-C-A.
Other names: short protein forms H4579N.
Identifiers: ClinVar variation 1316516 (VCV001316516.2), dbSNP rs794728830, ClinGen allele CA345417625.